The following is an entry in ClinVar:

ClinVar aggregate classification (germline): Benign. Review status: criteria provided, multiple submitters, no conflicts (2 of 4 stars). 5 submissions from 5 submitters: Benign (4). 1 of the submissions does not count toward it. Last evaluated 2026-02-04.

Conditions:
IL6R-related disorder. Also called: IL6R-related condition.

Allele frequency attached by ClinVar (database versions not stated): gnomAD 0.12759 and 0.12652; gnomAD exomes 0.13885 and 0.15252; 1000 Genomes Project 0.11781; ExAC 0.14104; 1000 Genomes Project 30x 0.11899; TOPMed 0.12001; ESP Exome Variant Server 0.12971.
gnomAD v4.1: 241,732 of 1,610,256 alleles (15%); highest among the groups gnomAD compares: Middle Eastern, 16%; 18,943 homozygotes.

Submissions (5):

Labcorp Genetics (formerly Invitae), Labcorp
Classification: Benign. Last evaluated: 2026-02-04. Review status: criteria provided, single submitter. Criteria: Invitae Variant Classification Sherloc (09022015). Collection method: clinical testing. Allele origin: germline.

Women's Health and Genetics/Laboratory Corporation of America, LabCorp
Classification: Benign. Last evaluated: 2026-01-21. Review status: criteria provided, single submitter. Criteria: LabCorp Variant Classification Summary - May 2015. Collection method: clinical testing. Allele origin: germline.

Mayo Clinic Laboratories, Mayo Clinic
Classification: Benign. Last evaluated: 2022-09-06. Review status: criteria provided, single submitter. Criteria: ACMG Guidelines, 2015. Collection method: clinical testing. Allele origin: germline. Observed: 26 variant alleles.

Breakthrough Genomics
Classification: Benign. Review status: criteria provided, single submitter. Criteria: ACMG Guidelines, 2015. Collection method: not provided. Allele origin: germline. Inheritance: Autosomal recessive inheritance. Affected: yes.

PreventionGenetics, part of Exact Sciences
Classification: Benign for IL6R-related condition. Last evaluated: 2019-10-21. Review status: no assertion criteria provided. Collection method: clinical testing. Allele origin: germline. Not counted in ClinVar's aggregate classification.
Comment: This variant is classified as benign based on ACMG/AMP sequence variant interpretation guidelines (Richards et al. 2015 PMID: 25741868, with internal and published modifications).

NM_000565.4(IL6R):c.93G>A (p.Ala31=)

Gene: IL6R (interleukin 6 receptor; plus strand). Cytogenetic location: 1q21.3.
Variant type: single nucleotide variant.
Coding change: c.93G>A on transcript NM_000565.4 (MANE Select); coding-DNA position 93, G replaced by A.
Protein change: p.Ala31=; no amino-acid change (alanine 31 retained).
Molecular consequence: synonymous variant.
Genome position (GRCh38, 1-based): chr1:154,429,203, G>A. VCF-style: chr1-154429203-G-A. GRCh37 (hg19) VCF-style: chr1-154401679-G-A.
Other names: p.Ala31=; c.93G>A, p.Ala31= (NM_001206866.2, NM_001382769.1, NM_001382770.1 and 5 more transcripts); c.93G>A (NM_000565.3).
Identifiers: ClinVar variation 1164401 (VCV001164401.14), dbSNP rs2228144, ClinGen allele CA1128915.
Genomic context (GRCh38, chr1:154,429,203, plus strand): 5'-AGCCCCCTTCTTCAGTGGCTGTGGGCTCACCAAGTGTCTTCTCCCTCCTCCAGAGGTGGC[G>A]AGAGGCGTGCTGACCAGTCTGCCAGGAGACAGCGTGACTCTGACCTGCCCGGGGGTAGAG-3'
Protein context (NP_000556.1, residues 21-41): APRRCPAQEV[Ala31=]RGVLTSLPGD